The following is an entry in ClinVar:

ClinVar aggregate classification (germline): Uncertain significance. Review status: criteria provided, multiple submitters, no conflicts (2 of 4 stars). 2 submissions from 2 submitters: Uncertain significance (2). Last evaluated 2023-11-02.

Conditions:
Brugada syndrome. Also called: Sudden unexpected nocturnal death syndrome; Sudden unexplained nocturnal death syndrome; Sudden Unexplained Death Syndrome; Sudden Unexplained Nocturnal Death Syndrome (SUNDS). Identifiers: Orphanet 130, MedGen C1142166, MONDO:0015263.

Allele frequency attached by ClinVar (database versions not stated): gnomAD exomes below 0.00001; TOPMed below 0.00001; gnomAD 0.00001.

Submissions (2):

Blueprint Genetics
Classification: Uncertain significance. Last evaluated: 2023-11-02. Review status: criteria provided, single submitter. Criteria: ACMG Guidelines, 2015. Collection method: clinical testing. Allele origin: germline.

Labcorp Genetics (formerly Invitae), Labcorp
Classification: Uncertain significance for Brugada syndrome. Last evaluated: 2022-04-01. Review status: criteria provided, single submitter. Criteria: Invitae Variant Classification Sherloc (09022015). Collection method: clinical testing. Allele origin: germline.
Comment: This sequence change creates a premature translational stop signal (p.Arg968Glyfs*57) in the SCN10A gene. It is expected to result in an absent or disrupted protein product. However, the current clinical and genetic evidence is not sufficient to establish whether loss-of-function variants in SCN10A cause disease. This variant is not present in population databases (gnomAD no frequency). This variant has not been reported in the literature in individuals affected with SCN10A-related conditions. ClinVar contains an entry for this variant (Variation ID: 532086). In summary, the available evidence is currently insufficient to determine the role of this variant in disease. Therefore, it has been classified as a Variant of Uncertain Significance.

NM_006514.4(SCN10A):c.2902del (p.Arg968fs)

Genes: SCN10A (sodium voltage-gated channel alpha subunit 10; minus strand), LOC110121288 (VISTA enhancer hs2268; plus strand). Cytogenetic location: 3p22.2.
Variant type: Deletion.
Coding change: c.2902del on transcript NM_006514.4 (MANE Select); coding-DNA position 2902, one base deleted (A; older notation c.2902delA).
Protein change: p.Arg968fs; shifts the reading frame from arginine 968.
Molecular consequence: frameshift variant.
Genome position (GRCh38, 1-based): chr3:38,726,791, T deleted on the plus strand (A on the coding strand, the reverse complement: SCN10A is on the minus strand). VCF-style (leftmost placement, unchanged base first): chr3-38726790-CT-C. GRCh37 (hg19) VCF-style: chr3-38768281-CT-C.
Other names: c.2902del, p.Arg968fs (NM_001293306.2); c.2608del, p.Arg870fs (NM_001293307.2); c.2902delA (NM_006514.3); short protein forms R870fs, R968fs.
Identifiers: ClinVar variation 532086 (VCV000532086.4), dbSNP rs1553616744, ClinGen allele CA658796275.